The following is an entry in ClinVar:

NM_005604.4(POU3F2):c.239del (p.Gly80fs)

Gene: POU3F2 (POU class 3 homeobox 2; plus strand). Cytogenetic location: 6q16.1.
Variant type: Deletion.
Coding change: c.239del on transcript NM_005604.4 (MANE Select); coding-DNA position 239, one base deleted (G; older notation c.239delG).
Protein change: p.Gly80fs; shifts the reading frame from glycine 80.
Molecular consequence: frameshift variant.
Genome position (GRCh38, 1-based): chr6:98,835,112, G deleted; the last of 8 consecutive G bases (chr6:98,835,105-98,835,112); deleting any one gives the same sequence. VCF-style (leftmost placement, unchanged base first): chr6-98835104-CG-C. GRCh37 (hg19) VCF-style: chr6-99282980-CG-C.
Other names: short protein forms G80fs.
Identifiers: ClinVar variation 2734477 (VCV002734477.3), dbSNP rs1769973996, ClinGen allele CA569564851.

ClinVar aggregate classification (germline): Uncertain significance (1 of 4 stars; one submission).

Submission:

Labcorp Genetics (formerly Invitae), Labcorp
Classification: Uncertain significance. Last evaluated: 2023-07-13. Review status: criteria provided, single submitter. Criteria: Invitae Variant Classification Sherloc (09022015). Collection method: clinical testing. Allele origin: germline.
Comment: This sequence change creates a premature translational stop signal (p.Gly80Alafs*118) in the POU3F2 gene. While this is not anticipated to result in nonsense mediated decay, it is expected to disrupt the last 364 amino acid(s) of the POU3F2 protein. In summary, the available evidence is currently insufficient to determine the role of this variant in disease. Therefore, it has been classified as a Variant of Uncertain Significance. Experimental studies and prediction algorithms are not available or were not evaluated, and the functional significance of this variant is currently unknown. This variant has not been reported in the literature in individuals affected with POU3F2-related conditions. The frequency data for this variant in the population databases is considered unreliable, as metrics indicate poor data quality at this position in the gnomAD database.